The following is an entry in ClinVar:

ClinVar aggregate classification (germline): Conflicting classifications of pathogenicity. Review status: criteria provided, conflicting classifications (1 of 4 stars). 3 submissions from 3 submitters: Likely pathogenic (2); Uncertain significance (1). Last evaluated 2025-01-06.

Conditions:
Galactosylceramide beta-galactosidase deficiency. Also called: GALACTOCEREBROSIDASE DEFICIENCY; GALC DEFICIENCY; Leukodystrophy, Globoid Cell; GLOBOID CELL LEUKOENCEPHALOPATHY; Krabbe Disease. Identifiers: Orphanet 487, MedGen C0023521, MONDO:0009499, OMIM 245200.

gnomAD v4.1: 1 of 1,613,358 alleles (0.000062%); no homozygotes.

Submissions (3):

Labcorp Genetics (formerly Invitae), Labcorp
Classification: Uncertain significance for Galactosylceramide beta-galactosidase deficiency. Last evaluated: 2025-01-06. Review status: criteria provided, single submitter. Criteria: Invitae Variant Classification Sherloc (09022015). Collection method: clinical testing. Allele origin: germline.
Comment: This sequence change replaces isoleucine, which is neutral and non-polar, with threonine, which is neutral and polar, at codon 193 of the GALC protein (p.Ile193Thr). This variant is not present in population databases (gnomAD no frequency). This missense change has been observed in individual(s) with Krabbe disease (PMID: 18846620). This variant is also known as p.Ile177Thr. ClinVar contains an entry for this variant (Variation ID: 522714). Invitae Evidence Modeling of protein sequence and biophysical properties (such as structural, functional, and spatial information, amino acid conservation, physicochemical variation, residue mobility, and thermodynamic stability) indicates that this missense variant is expected to disrupt GALC protein function with a positive predictive value of 95%. In summary, the available evidence is currently insufficient to determine the role of this variant in disease. Therefore, it has been classified as a Variant of Uncertain Significance.

Women's Health and Genetics/Laboratory Corporation of America, LabCorp
Classification: Likely pathogenic for Galactosylceramide beta-galactosidase deficiency. Last evaluated: 2022-12-02. Review status: criteria provided, single submitter. Criteria: LabCorp Variant Classification Summary - May 2015. Collection method: clinical testing. Allele origin: germline.
Comment: Variant summary: GALC c.578T>C (p.Ile193Thr) results in a non-conservative amino acid change in the encoded protein sequence. Five of five in-silico tools predict a damaging effect of the variant on protein function. The variant was absent in 249294 control chromosomes. The available data on variant occurrences in the general population are insufficient to allow any conclusion about variant significance. c.578T>C has been reported in the literature in individuals affected with Krabbe Disease from the Russian population (e.g. Zakharova_2008, Nagornov_2021). To our knowledge, no experimental evidence demonstrating an impact on protein function has been reported. Two ClinVar submitters (evaluation after 2014) have cited the variant; one submitter classified the variant as likely pathogenic, and the other classified the variant as uncertain significance. Based on the evidence outlined above, the variant was classified as likely pathogenic.

Genomic Research Center, Shahid Beheshti University of Medical Sciences
Classification: Likely pathogenic for Galactosylceramide beta-galactosidase deficiency. Last evaluated: 2020-05-03. Review status: criteria provided, single submitter. Criteria: ACMG Guidelines, 2015. Collection method: clinical testing. Allele origin: unknown. Affected: yes.

Literature cited by the submitters: PubMed 18846620 (cited by Labcorp Genetics (formerly Invitae), Labcorp and Women's Health and Genetics/Laboratory Corporation of America, LabCorp).

NM_000153.4(GALC):c.578T>C (p.Ile193Thr)

Gene: GALC (galactosylceramidase; minus strand). Cytogenetic location: 14q31.3.
Variant type: single nucleotide variant.
Coding change: c.578T>C on transcript NM_000153.4 (MANE Select); coding-DNA position 578, T replaced by C.
Protein change: p.Ile193Thr; replaces isoleucine 193 with threonine.
Molecular consequence: missense variant.
Genome position (GRCh38, 1-based): chr14:87,984,398, A>G on the plus strand (T>C on the coding strand, the complement: GALC is on the minus strand). VCF-style: chr14-87984398-A-G. GRCh37 (hg19) VCF-style: chr14-88450742-A-G.
Other names: c.509T>C, p.Ile170Thr (NM_001201401.2); c.500T>C, p.Ile167Thr (NM_001201402.2); c.578T>C (NM_000153.3); short protein forms I170T, I193T, I167T.
Identifiers: ClinVar variation 522714 (VCV000522714.11), dbSNP rs1555383498, ClinGen allele CA390751369.
Genomic context (GRCh38, chr14:87,984,398, plus strand): 5'-TTCTAAATTACAAACAAATGTCCAAAACTGAATCATATTTTAAATATATTACTAACTCCA[A>G]TATAATCAATGTCCAAATCATGGTAACGCTTGGCGCCCACAATCCAGGTCACGACATAAT-3'
Protein context (NP_000144.2, residues 183-203): KRYHDLDIDY[Ile193Thr]GIWNERSYNA